The following is an entry in ClinVar:

ClinVar aggregate classification (germline): Likely benign. Review status: criteria provided, multiple submitters, no conflicts (2 of 4 stars). 4 submissions from 4 submitters: Likely benign (2). 2 of the submissions do not count toward it. Last evaluated 2025-12-15.

Conditions:
VPS13B-related disorder. Also called: VPS13B-related condition.
Cohen syndrome (COH1). Also called: Cutis verticis gyrata, retinitis pigmentosa, and sensorineural deafness; PEPPER SYNDROME. Identifiers: Orphanet 193, MedGen C0265223, MONDO:0008999, OMIM 216550.

Allele frequency attached by ClinVar (database versions not stated): ExAC 0.00007; gnomAD 0.00009; gnomAD exomes 0.00009 and 0.00034; TOPMed 0.00012; ESP Exome Variant Server 0.00023.
gnomAD v4.1: 494 of 1,613,382 alleles (0.031%); highest among the groups gnomAD compares: Non-Finnish European, 0.041%; no homozygotes.

Submissions (4):

Labcorp Genetics (formerly Invitae), Labcorp
Classification: Likely benign for Cohen syndrome. Last evaluated: 2025-12-15. Review status: criteria provided, single submitter. Criteria: Invitae Variant Classification Sherloc (09022015). Collection method: clinical testing. Allele origin: germline.

Blueprint Genetics
Classification: Likely benign. Last evaluated: 2024-05-13. Review status: criteria provided, single submitter. Criteria: ACMG Guidelines, 2015. Collection method: clinical testing. Allele origin: germline.

PreventionGenetics, part of Exact Sciences
Classification: Likely benign for VPS13B-related condition. Last evaluated: 2022-02-08. Review status: no assertion criteria provided. Collection method: clinical testing. Allele origin: germline. Not counted in ClinVar's aggregate classification.
Comment: This variant is classified as likely benign based on ACMG/AMP sequence variant interpretation guidelines (Richards et al. 2015 PMID: 25741868, with internal and published modifications).

Natera, Inc.
Classification: Likely benign for Cohen syndrome. Last evaluated: 2020-06-04. Review status: no assertion criteria provided. Collection method: clinical testing. Allele origin: germline. Not counted in ClinVar's aggregate classification.

NM_152564.5(VPS13B):c.4986C>T (p.Thr1662=)

Gene: VPS13B (vacuolar protein sorting 13 homolog B; plus strand). Cytogenetic location: 8q22.2.
Variant type: single nucleotide variant.
Coding change: c.4986C>T on transcript NM_152564.5 (MANE Select); coding-DNA position 4986, C replaced by T.
Protein change: p.Thr1662=; no amino-acid change (threonine 1662 retained).
Molecular consequence: synonymous variant.
Genome position (GRCh38, 1-based): chr8:99,575,694, C>T. VCF-style: chr8-99575694-C-T. GRCh37 (hg19) VCF-style: chr8-100587922-C-T.
Other names: c.5061C>T, p.Thr1687= (NM_017890.5); c.4986C>T (NM_152564.4).
Identifiers: ClinVar variation 707502 (VCV000707502.14), dbSNP rs148773425, ClinGen allele CA4823712.
Genomic context (GRCh38, chr8:99,575,694, plus strand): 5'-ATAATCTTTTACTCTATCTTTTAGCATACGGCGGCATCAAGAAAGGAGAGCAATTTTGAC[C>T]CCCGTTTTGACAGATTTTTCTGTCCGAATAACTGGAGCACCTGCTGTCATTTTCACCAAA-3'
Protein context (NP_689777.3, residues 1652-1672): RRHQERRAIL[Thr1662=]PVLTDFSVRI